The following is an entry in ClinVar:

NM_001252024.2(TRPM1):c.3191T>G (p.Leu1064Arg)

Genes: TRPM1 (transient receptor potential cation channel subfamily M member 1; minus strand), TRPM1-AS1 (TRPM1 antisense RNA 1; plus strand). Cytogenetic location: 15q13.3.
Variant type: single nucleotide variant.
Coding change: c.3191T>G on transcript NM_001252024.2 (MANE Select); coding-DNA position 3191, T replaced by G.
Protein change: p.Leu1064Arg; replaces leucine 1064 with arginine.
Molecular consequence: missense variant.
Genome position (GRCh38, 1-based): chr15:31,028,434, A>C on the plus strand (T>G on the coding strand, the complement: TRPM1 is on the minus strand). VCF-style: chr15-31028434-A-C. GRCh37 (hg19) VCF-style: chr15-31320637-A-C.
Other names: c.3242T>G, p.Leu1081Arg (NM_001252020.2); c.3125T>G, p.Leu1042Arg (NM_002420.6); short protein forms L1042R, L1081R, L1064R.
Identifiers: ClinVar variation 315504 (VCV000315504.7), dbSNP rs200561247, ClinGen allele CA7451951.
Genomic context (GRCh38, chr15:31,028,434, plus strand): 5'-ACCAGTAGATAGCACGCCATGAGTGCTGGAGTGAGCCAGGCGCCGGGGATACAGGGAGGA[A>C]GCCGCTTGCCCTCCTCATCATATAGGTTCTCACCACAAGGAGCTGAAAGAAAAAAATAGT-3'
Protein context (NP_001238953.1, residues 1054-1074): ENLYDEEGKR[Leu1064Arg]PPCIPGAWLT

ClinVar aggregate classification (germline): Uncertain significance. Review status: criteria provided, multiple submitters, no conflicts (2 of 4 stars). 3 submissions from 3 submitters: Uncertain significance (3). Last evaluated 2024-09-18.

Conditions:
Congenital stationary night blindness 1C. Also called: Night blindness, congenital stationary (complete), 1C, autosomal recessive. Identifiers: Orphanet 215, MedGen C2750747, MONDO:0013183, OMIM 613216.

Allele frequency attached by ClinVar (database versions not stated): gnomAD 0.00003 and 0.00005; TOPMed 0.00003; gnomAD exomes 0.00006; ExAC 0.00009; 1000 Genomes Project 30x 0.00031; 1000 Genomes Project 0.00040.
gnomAD v4.1: 105 of 1,614,132 alleles (0.0065%); highest among the groups gnomAD compares: Middle Eastern, 0.017%; no homozygotes.

Submissions (3):

Blueprint Genetics
Classification: Uncertain significance. Last evaluated: 2024-09-18. Review status: criteria provided, single submitter. Criteria: ACMG Guidelines, 2015. Collection method: clinical testing. Allele origin: germline.

Labcorp Genetics (formerly Invitae), Labcorp
Classification: Uncertain significance. Last evaluated: 2022-06-17. Review status: criteria provided, single submitter. Criteria: Invitae Variant Classification Sherloc (09022015). Collection method: clinical testing. Allele origin: germline.
Comment: This sequence change replaces leucine, which is neutral and non-polar, with arginine, which is basic and polar, at codon 1042 of the TRPM1 protein (p.Leu1042Arg). This variant is present in population databases (rs200561247, gnomAD 0.02%). This missense change has been observed in individual(s) with night blindness (PMID: 28838317). ClinVar contains an entry for this variant (Variation ID: 315504). Algorithms developed to predict the effect of missense changes on protein structure and function are either unavailable or do not agree on the potential impact of this missense change (SIFT: "Tolerated"; PolyPhen-2: "Probably Damaging"; Align-GVGD: "Class C0"). In summary, the available evidence is currently insufficient to determine the role of this variant in disease. Therefore, it has been classified as a Variant of Uncertain Significance.

Illumina Laboratory Services, Illumina
Classification: Uncertain significance for Congenital stationary night blindness 1C. Last evaluated: 2018-01-13. Review status: criteria provided, single submitter. Criteria: ICSL Variant Classification Criteria 13 December 2019. Collection method: clinical testing. Allele origin: germline.

Literature cited by the submitters: PubMed 28838317 (cited by Labcorp Genetics (formerly Invitae), Labcorp).